The following is an entry in ClinVar:

ClinVar aggregate classification (germline): Pathogenic (1 of 4 stars; one submission).

Conditions:
Epilepsy, familial focal, with variable foci 3 (FFEVF3). Identifiers: MedGen C4310708, MONDO:0014925, OMIM 617118.

Submission:

Labcorp Genetics (formerly Invitae), Labcorp
Classification: Pathogenic for Epilepsy, familial focal, with variable foci 3. Last evaluated: 2022-10-28. Review status: criteria provided, single submitter. Criteria: Invitae Variant Classification Sherloc (09022015). Collection method: clinical testing. Allele origin: germline.
Comment: For these reasons, this variant has been classified as Pathogenic. This variant disrupts a region of the NPRL3 protein in which other variant(s) (p.Glu508Argfs*46) have been determined to be pathogenic (PMID: 26786403). This suggests that this is a clinically significant region of the protein, and that variants that disrupt it are likely to be disease-causing. This variant has not been reported in the literature in individuals affected with NPRL3-related conditions. This variant is not present in population databases (gnomAD no frequency). This sequence change creates a premature translational stop signal (p.Gln505Leufs*51) in the NPRL3 gene. While this is not anticipated to result in nonsense mediated decay, it is expected to disrupt the last 65 amino acid(s) of the NPRL3 protein.

Literature cited by the submitters: PubMed 26786403.

NM_001077350.3(NPRL3):c.1514_1518delinsTTCTGGGGCT (p.Gln505fs)

Genes: HBA-LCR (alpha-globin locus control region; plus strand), NPRL3 (NPR3 like, GATOR1 complex subunit; minus strand). Cytogenetic location: 16p13.3.
Variant type: Indel.
Coding change: c.1514_1518delinsTTCTGGGGCT on transcript NM_001077350.3 (MANE Select); coding-DNA positions 1514 to 1518, AGAAC replaced by TTCTGGGGCT.
Protein change: p.Gln505fs; shifts the reading frame from glutamine 505.
Molecular consequence: frameshift variant.
Genome position (GRCh38, 1-based): chr16:88,724-88,728, GTTCT replaced by AGCCCCAGAA on the plus strand (AGAAC replaced by TTCTGGGGCT on the coding strand, the reverse complement: NPRL3 is on the minus strand). VCF-style: chr16-88724-GTTCT-AGCCCCAGAA. GRCh37 (hg19) VCF-style: chr16-138723-GTTCT-AGCCCCAGAA.
Other names: c.977_981delinsTTCTGGGGCT, p.Gln326fs (NM_001039476.3); c.1280_1284delinsTTCTGGGGCT, p.Gln427fs (NM_001243247.2); c.1439_1443delinsTTCTGGGGCT, p.Gln480fs (NM_001243248.2, NM_001243249.2); short protein forms Q505fs, Q480fs, Q326fs, Q427fs.
Identifiers: ClinVar variation 542797 (VCV000542797.5), dbSNP rs1555439541, ClinGen allele CA658798449.